The following is an entry in ClinVar:

ClinVar aggregate classification (germline): Uncertain significance. Review status: criteria provided, multiple submitters, no conflicts (2 of 4 stars). 2 submissions from 2 submitters: Uncertain significance (2). Last evaluated 2025-06-15.

Conditions:
Inborn genetic diseases. Identifiers: MedGen C0950123, MeSH D030342.

gnomAD v4.1: 21 of 1,606,956 alleles (0.0013%); highest among the groups gnomAD compares: South Asian, 0.0033%; no homozygotes.

Submissions (2):

Labcorp Genetics (formerly Invitae), Labcorp
Classification: Uncertain significance. Last evaluated: 2025-06-15. Review status: criteria provided, single submitter. Criteria: Invitae Variant Classification Sherloc (09022015). Collection method: clinical testing. Allele origin: germline.
Comment: This sequence change replaces arginine, which is basic and polar, with glutamine, which is neutral and polar, at codon 1534 of the LRP5 protein (p.Arg1534Gln). This variant is not present in population databases (gnomAD no frequency). This variant has not been reported in the literature in individuals affected with LRP5-related conditions. Invitae Evidence Modeling of protein sequence and biophysical properties (such as structural, functional, and spatial information, amino acid conservation, physicochemical variation, residue mobility, and thermodynamic stability) indicates that this missense variant is not expected to disrupt LRP5 protein function with a negative predictive value of 95%. In summary, the available evidence is currently insufficient to determine the role of this variant in disease. Therefore, it has been classified as a Variant of Uncertain Significance.

Ambry Genetics
Classification: Uncertain significance for Inborn genetic diseases. Last evaluated: 2025-05-21. Review status: criteria provided, single submitter. Criteria: Ambry Variant Classification Scheme 2023. Collection method: clinical testing. Allele origin: germline.

NM_002335.4(LRP5):c.4601G>A (p.Arg1534Gln)

Gene: LRP5 (LDL receptor related protein 5; plus strand). Cytogenetic location: 11q13.2.
Variant type: single nucleotide variant.
Coding change: c.4601G>A on transcript NM_002335.4 (MANE Select); coding-DNA position 4601, G replaced by A.
Protein change: p.Arg1534Gln; replaces arginine 1534 with glutamine.
Molecular consequence: missense variant.
Genome position (GRCh38, 1-based): chr11:68,448,823, G>A. VCF-style: chr11-68448823-G-A. GRCh37 (hg19) VCF-style: chr11-68216291-G-A.
Other names: c.2858G>A, p.Arg953Gln (NM_001291902.2); short protein forms R1534Q, R953Q.
Identifiers: ClinVar variation 4048764 (VCV004048764.2).
Genomic context (GRCh38, chr11:68,448,823, plus strand): 5'-CGGATGTGCCTACCGAATCCCACTCCTCTGTGTGTGTCCCTTTCAGGCCCTACATCATTC[G>A]AGGAATGGCGCCCCCGACGACGCCCTGCAGCACCGACGTGTGTGACAGCGACTACAGCGC-3'
Protein context (NP_002326.2, residues 1524-1544): TARPYRPYII[Arg1534Gln]GMAPPTTPCS